The following is an entry in ClinVar:

ClinVar aggregate classification (germline): Likely benign (1 of 4 stars; one submission).

gnomAD v4.1: 12 of 1,614,196 alleles (0.00074%); highest among the groups gnomAD compares: South Asian, 0.012%; 1 homozygote.

Submission:

CeGaT Center for Human Genetics Tuebingen
Classification: Likely benign. Last evaluated: 2025-12-01. Review status: criteria provided, single submitter. Criteria: CeGaT Center For Human Genetics Tuebingen Variant Classification Criteria Version 2. Collection method: clinical testing. Allele origin: germline. Affected: yes. Observed: 1 variant allele.
Comment: COL9A2: BP4, BS2

NM_001852.4(COL9A2):c.576G>A (p.Lys192=)

Gene: COL9A2 (collagen type IX alpha 2 chain; minus strand). Cytogenetic location: 1p34.2.
Variant type: single nucleotide variant.
Coding change: c.576G>A on transcript NM_001852.4 (MANE Select); coding-DNA position 576, G replaced by A.
Protein change: p.Lys192=; no amino-acid change (lysine 192 retained).
Molecular consequence: synonymous variant.
Genome position (GRCh38, 1-based): chr1:40,311,230, C>T on the plus strand (G>A on the coding strand, the complement: COL9A2 is on the minus strand). VCF-style: chr1-40311230-C-T. GRCh37 (hg19) VCF-style: chr1-40776902-C-T.
Identifiers: ClinVar variation 4534340 (VCV004534340.6).
Genomic context (GRCh38, chr1:40,311,230, plus strand): 5'-TACGAGGTCCCCTCCTGTCACCTGCACCACCCTCCCAAGATTCAGGCCAGGAGCTCTCAC[C>T]TTCACTCCCTGCAGCCCTGGGGGACCTTTCATTCCGGGTGGACAGTTGGTTGGACACTGG-3'
Protein context (NP_001843.1, residues 182-202): MKGPPGLQGV[Lys192=]GHAGKRGILG